The following is an entry in ClinVar:

ClinVar aggregate classification (germline): Uncertain significance (1 of 4 stars; one submission).

Conditions:
COG5-congenital disorder of glycosylation. Also called: CONGENITAL DISORDER OF GLYCOSYLATION, TYPE IIi; COG5-CDG; CDG IIi. Identifiers: Orphanet 263487, MedGen C3150876, MONDO:0013325, OMIM 613612.

Allele frequency attached by ClinVar (database versions not stated): gnomAD exomes below 0.00001.
gnomAD v4.1: 6 of 1,611,984 alleles (0.00037%); highest among the groups gnomAD compares: Non-Finnish European, 0.00042%; no homozygotes.

Submission:

Labcorp Genetics (formerly Invitae), Labcorp
Classification: Uncertain significance for COG5-congenital disorder of glycosylation. Last evaluated: 2021-09-24. Review status: criteria provided, single submitter. Criteria: Invitae Variant Classification Sherloc (09022015). Collection method: clinical testing. Allele origin: germline.
Comment: This sequence change replaces valine with isoleucine at codon 551 of the COG5 protein (p.Val551Ile). The valine residue is highly conserved and there is a small physicochemical difference between valine and isoleucine. This variant is not present in population databases (ExAC no frequency). This variant has not been reported in the literature in individuals with COG5-related conditions. Algorithms developed to predict the effect of missense changes on protein structure and function are either unavailable or do not agree on the potential impact of this missense change (SIFT: "Tolerated"; PolyPhen-2: "Possibly Damaging"; Align-GVGD: "Class C0"). In summary, the available evidence is currently insufficient to determine the role of this variant in disease. Therefore, it has been classified as a Variant of Uncertain Significance.

NM_006348.5(COG5):c.1558G>A (p.Val520Ile)

Gene: COG5 (component of oligomeric golgi complex 5; minus strand). Cytogenetic location: 7q22.3.
Variant type: single nucleotide variant.
Coding change: c.1558G>A on transcript NM_006348.5 (MANE Select); coding-DNA position 1558, G replaced by A.
Protein change: p.Val520Ile; replaces valine 520 with isoleucine.
Molecular consequence: missense variant.
Genome position (GRCh38, 1-based): chr7:107,281,317, C>T on the plus strand (G>A on the coding strand, the complement: COG5 is on the minus strand). VCF-style: chr7-107281317-C-T. GRCh37 (hg19) VCF-style: chr7-106921762-C-T.
Other names: c.1558G>A, p.Val520Ile (NM_001161520.2, NM_001379512.1, NM_001379513.1 and 2 more transcripts); c.1396G>A, p.Val466Ile (NM_001379511.1); c.988G>A, p.Val330Ile (NM_001379515.1); c.844G>A, p.Val282Ile (NM_001379516.1); short protein forms V520I, V330I, V466I, V282I.
Identifiers: ClinVar variation 1362810 (VCV001362810.5), dbSNP rs2116795993, ClinGen allele CA368937833.